The following is an entry in ClinVar:

NM_022436.3(ABCG5):c.502-3C>T

Genes: ABCG5 (ATP binding cassette subfamily G member 5; minus strand), DYNC2LI1 (dynein cytoplasmic 2 light intermediate chain 1; plus strand). Cytogenetic location: 2p21.
Variant type: single nucleotide variant.
Coding change: c.502-3C>T on transcript NM_022436.3 (MANE Select); 3 bases into the intron before coding-DNA position 502, C replaced by T.
Molecular consequence: intron variant. On other transcripts: 3 prime UTR variant (2).
Genome position (GRCh38, 1-based): chr2:43,828,118, G>A on the plus strand (C>T on the coding strand, the complement: ABCG5 is on the minus strand). VCF-style: chr2-43828118-G-A. GRCh37 (hg19) VCF-style: chr2-44055257-G-A.
Other names: c.*748G>A (NM_001348912.2, NM_001348913.2).
Identifiers: ClinVar variation 4984351 (VCV004984351.1).

ClinVar aggregate classification (germline): Likely benign (1 of 4 stars; one submission).

Conditions:
ABCG5-related disorder. Also called: ABCG5-related condition.

gnomAD v4.1: 5 of 1,613,812 alleles (0.00031%); highest among the groups gnomAD compares: Admixed American, 0.0067%; no homozygotes.

Submission:

PreventionGenetics, part of Exact Sciences
Classification: Likely benign for ABCG5-related condition. Last evaluated: 2026-07-23. Review status: criteria provided, single submitter. Criteria: ACMG Guidelines, 2015. Collection method: clinical testing. Allele origin: germline.
Comment: This variant is classified as likely benign based on ACMG/AMP sequence variant interpretation guidelines (Richards et al. 2015 PMID: 25741868, with internal and published modifications).